The following is an entry in ClinVar:

NM_001113491.2(SEPTIN9):c.322A>G (p.Thr108Ala)

Gene: SEPTIN9 (septin 9; plus strand). Cytogenetic location: 17q25.3.
Variant type: single nucleotide variant.
Coding change: c.322A>G on transcript NM_001113491.2 (MANE Select); coding-DNA position 322, A replaced by G.
Protein change: p.Thr108Ala; replaces threonine 108 with alanine.
Molecular consequence: missense variant. On other transcripts: 5 prime UTR variant (2).
Genome position (GRCh38, 1-based): chr17:77,402,304, A>G. VCF-style: chr17-77402304-A-G. GRCh37 (hg19) VCF-style: chr17-75398386-A-G.
Other names: c.-171A>G (NM_001113492.2, NM_001113494.1); c.301A>G, p.Thr101Ala (NM_001113493.2); c.265A>G, p.Thr89Ala (NM_001293695.2); c.268A>G, p.Thr90Ala (NM_006640.5); short protein forms T90A, T108A, T89A, T101A.
Identifiers: ClinVar variation 325542 (VCV000325542.5), dbSNP rs746996757, ClinGen allele CA8793174.

ClinVar aggregate classification (germline): Benign (1 of 4 stars; one submission).

Conditions:
Amyotrophic neuralgia (HNA). Also called: AMYOTROPHY, HEREDITARY NEURALGIC; Hereditary Brachial Plexus Neuropathy; Neuritis with Brachial Predilection; AMYOTROPHY, HEREDITARY NEURALGIC, WITH PREDILECTION FOR BRACHIAL PLEXUS. Identifiers: Orphanet 2901, MedGen C1834304, MONDO:0008076, OMIM 162100.

Allele frequency attached by ClinVar (database versions not stated): gnomAD exomes below 0.00001 and 0.00001; gnomAD 0.00001; TOPMed 0.00001; ExAC 0.00002.

Submission:

Illumina Laboratory Services, Illumina
Classification: Benign for Amyotrophy, hereditary neuralgic. Last evaluated: 2018-01-13. Review status: criteria provided, single submitter. Criteria: ICSL Variant Classification Criteria 13 December 2019. Collection method: clinical testing. Allele origin: germline.
Comment: This variant was observed in the ICSL laboratory as part of a predisposition screen in an ostensibly healthy population. It had not been previously curated by ICSL or reported in the Human Gene Mutation Database (HGMD: prior to June 1st, 2018), and was therefore a candidate for classification through an automated scoring system. Utilizing variant allele frequency, disease prevalence and penetrance estimates, and inheritance mode, an automated score was calculated to assess if this variant is too frequent to cause the disease. Based on the score and internal cut-off values, a variant classified as benign is not then subjected to further curation. The score for this variant resulted in a classification of benign for this disease.